The following is an entry in ClinVar:

NM_001005242.3(PKP2):c.1903C>T (p.His635Tyr)

Gene: PKP2 (plakophilin 2; minus strand). Cytogenetic location: 12p11.21.
Variant type: single nucleotide variant.
Coding change: c.1903C>T on transcript NM_001005242.3 (MANE Select); coding-DNA position 1903, C replaced by T.
Protein change: p.His635Tyr; replaces histidine 635 with tyrosine.
Molecular consequence: missense variant.
Genome position (GRCh38, 1-based): chr12:32,821,466, G>A on the plus strand (C>T on the coding strand, the complement: PKP2 is on the minus strand). VCF-style: chr12-32821466-G-A. GRCh37 (hg19) VCF-style: chr12-32974400-G-A.
Other names: c.2035C>T, p.His679Tyr (NM_004572.4); short protein forms H679Y, H635Y.
Identifiers: ClinVar variation 265822 (VCV000265822.27), dbSNP rs757922359, ClinGen allele CA384361885.

ClinVar aggregate classification (germline): Uncertain significance. Review status: criteria provided, multiple submitters, no conflicts (2 of 4 stars). 3 submissions from 3 submitters: Uncertain significance (2). 1 of the submissions does not count toward it. Last evaluated 2023-12-01.

Conditions:
Cardiomyopathy (CMYO). Also called: Cardiomyopathies. Identifiers: Orphanet 167848, MedGen C0878544, MONDO:0004994, HP:0001638. Inheritance: Various modes of inheritance.
Dilated cardiomyopathy 1S (CMD1S). Identifiers: Orphanet 154, Orphanet 54260, MedGen C1834481, MONDO:0013262, OMIM 613426.

Allele frequency attached by ClinVar (database versions not stated): gnomAD exomes below 0.00001.
gnomAD v4.1: 2 of 1,614,002 alleles (0.00012%); highest among the groups gnomAD compares: East Asian, 0.0022%; no homozygotes.

Submissions (3):

CeGaT Center for Human Genetics Tuebingen
Classification: Uncertain significance. Last evaluated: 2023-12-01. Review status: criteria provided, single submitter. Criteria: CeGaT Center For Human Genetics Tuebingen Variant Classification Criteria Version 2. Collection method: clinical testing. Allele origin: germline. Affected: yes. Observed: 1 variant allele.
Comment: PKP2: PM2

Color Diagnostics, LLC DBA Color Health
Classification: Uncertain significance for Cardiomyopathy. Last evaluated: 2019-01-28. Review status: criteria provided, single submitter. Criteria: ACMG Guidelines, 2015. Collection method: clinical testing. Allele origin: germline.
Comment: Variant of Uncertain Significance due to insufficient evidence: This missense variant replaces histidine with tyrosine at codon 679 of the PKP2 protein. Computational prediction tools and conservation analyses suggest that this variant may have deleterious impact on the protein function. Computational splicing tools suggest that this variant may not impact RNA splicing. This variant has been reported in a Turkish family affected with dilated cardiomyopathy (PMID: 29253866). In this family, the index case and two siblings, who were homozygous for the variant, were affected with dilated cardiomyopathy and did not meet the diagnostic criteria for arrhythmogenic right ventricular cardiomyopathy. One homozygous family member and four heterozygous family members did not show any signs of cardiac disease. Investigation of heart tissue of a homozygous carrier revealed no impact of this variant on the PKP2 protein expression, stability and cell localization (PMID: 29253866). This variant is rare in the general population and has been identified in 0/277264 chromosomes by the Genome Aggregation Database (gnomAD). Available evidence is insufficient to determine the role of this variant in disease conclusively.

Institut für Laboratoriums- und Transfusionsmedizin, Herz- und Diabeteszentrum Nordrhein-Westfalen
Classification: Likely pathogenic for Dilated cardiomyopathy 1S. Last evaluated: 2016-05-01. Review status: no assertion criteria provided. Collection method: clinical testing. Allele origin: biparental. Affected: no. Observed: 6 variant alleles. Not counted in ClinVar's aggregate classification.